The following is an entry in ClinVar:

ClinVar aggregate classification (germline): Uncertain significance (1 of 4 stars; one submission).

Submission:

Labcorp Genetics (formerly Invitae), Labcorp
Classification: Uncertain significance. Last evaluated: 2022-05-27. Review status: criteria provided, single submitter. Criteria: Invitae Variant Classification Sherloc (09022015). Collection method: clinical testing. Allele origin: germline.
Comment: This sequence change replaces methionine, which is neutral and non-polar, with lysine, which is basic and polar, at codon 2194 of the PIEZO1 protein (p.Met2194Lys). This variant is not present in population databases (gnomAD no frequency). This variant has not been reported in the literature in individuals affected with PIEZO1-related conditions. Algorithms developed to predict the effect of missense changes on protein structure and function are either unavailable or do not agree on the potential impact of this missense change (SIFT: "Deleterious"; PolyPhen-2: "Probably Damaging"; Align-GVGD: "Class C0"). In summary, the available evidence is currently insufficient to determine the role of this variant in disease. Therefore, it has been classified as a Variant of Uncertain Significance.

NM_001142864.4(PIEZO1):c.6581T>A (p.Met2194Lys)

Gene: PIEZO1 (piezo type mechanosensitive ion channel component 1 (Er blood group); minus strand). Cytogenetic location: 16q24.3.
Variant type: single nucleotide variant.
Coding change: c.6581T>A on transcript NM_001142864.4 (MANE Select); coding-DNA position 6581, T replaced by A.
Protein change: p.Met2194Lys; replaces methionine 2194 with lysine.
Molecular consequence: missense variant.
Genome position (GRCh38, 1-based): chr16:88,717,102, A>T on the plus strand (T>A on the coding strand, the complement: PIEZO1 is on the minus strand). VCF-style: chr16-88717102-A-T. GRCh37 (hg19) VCF-style: chr16-88783510-A-T.
Other names: c.5123T>A, p.Met1708Lys (NM_014745.1); short protein forms M1708K, M2194K.
Identifiers: ClinVar variation 1999523 (VCV001999523.4), dbSNP rs1194064948, ClinGen allele CA397079359.
Genomic context (GRCh38, chr16:88,717,102, plus strand): 5'-AGGGTGACGGTGACATCGATGGGCTGGTTGACAACCCCAACCACGGAGCGCACCAGCGAC[A>T]TGAAGAGCAGTGGGAACCAGATGATGGCGATGAGGAAGAGGATGATGAGGCCACCCATGC-3'
Protein context (NP_001136336.2, residues 2184-2204): IAIIWFPLLF[Met2194Lys]SLVRSVVGVV